The following is an entry in ClinVar:

ClinVar aggregate classification (germline): Likely pathogenic (0 of 4 stars; one submission).

Conditions:
CLCN5-related disorder. Also called: CLCN5-related condition.

Submissions (2):

PreventionGenetics, part of Exact Sciences
Classification: Likely pathogenic for CLCN5-related condition. Last evaluated: 2024-04-04. Review status: no assertion criteria provided. Collection method: clinical testing. Allele origin: germline.
Comment: The CLCN5 c.206-2A>G variant is predicted to disrupt the AG splice acceptor site and interfere with normal splicing. This variant has not been reported in a large population database, indicating this variant is rare. Variants that disrupt the consensus splice acceptor site in CLCN5 are expected to be pathogenic. This variant is interpreted as likely pathogenic.

Dr. Peter K. Rogan Lab, Western University
No classification provided (evidence only). Condition: Thyroid cancer, nonmedullary, 1. Review status: no classification provided. Collection method: in vitro. Allele origin: not applicable. Functional consequence: retained intron. Not counted in ClinVar's aggregate classification.

NM_001127898.4(CLCN5):c.416-2A>G

Gene: CLCN5 (chloride voltage-gated channel 5; plus strand). Cytogenetic location: Xp11.23.
Variant type: single nucleotide variant.
Coding change: c.416-2A>G on transcript NM_001127898.4 (MANE Select); the canonical splice acceptor site of the intron before coding-DNA position 416, A replaced by G.
Molecular consequence: splice acceptor variant.
Genome position (GRCh38, 1-based): chrX:50,075,793, A>G. VCF-style: chrX-50075793-A-G. GRCh37 (hg19) VCF-style: chrX-49840448-A-G.
Other names: NC_000023.10:g.49840448A>G; c.416-2A>G (NM_001127899.4); c.206-2A>G (NM_000084.5); c.266-2A>G (NM_001282163.2).
Identifiers: ClinVar variation 3345105 (VCV003345105.2).